The following is an entry in ClinVar:

ClinVar aggregate classification (germline): Likely benign (0 of 4 stars; one submission).

Conditions:
AXIN1-related disorder. Also called: AXIN1-related condition.

gnomAD v4.1: 78 of 1,613,340 alleles (0.0048%); highest among the groups gnomAD compares: Admixed American, 0.087%; no homozygotes.

Submission:

PreventionGenetics, part of Exact Sciences
Classification: Likely benign for AXIN1-related condition. Last evaluated: 2020-01-03. Review status: no assertion criteria provided. Collection method: clinical testing. Allele origin: germline.
Comment: This variant is classified as likely benign based on ACMG/AMP sequence variant interpretation guidelines (Richards et al. 2015 PMID: 25741868, with internal and published modifications).

NM_003502.4(AXIN1):c.2463-9G>A

Gene: AXIN1 (axin 1; minus strand). Cytogenetic location: 16p13.3.
Variant type: single nucleotide variant.
Coding change: c.2463-9G>A on transcript NM_003502.4 (MANE Select); 9 bases into the intron before coding-DNA position 2463, G replaced by A.
Molecular consequence: intron variant.
Genome position (GRCh38, 1-based): chr16:288,257, C>T on the plus strand (G>A on the coding strand, the complement: AXIN1 is on the minus strand). VCF-style: chr16-288257-C-T. GRCh37 (hg19) VCF-style: chr16-338257-C-T.
Other names: c.2355-9G>A (NM_181050.3).
Identifiers: ClinVar variation 3039223 (VCV003039223.2), dbSNP rs768762328, ClinGen allele CA7773762.
Genomic context (GRCh38, chr16:288,257, plus strand): 5'-CTCAAACACCACCCCACAGTCAAACTCGTCGCTCACTTTCTTGAAGTAGTATCTGCAGGA[C>T]GGAGGTGAGGAGGGCAGTGAGCAGGCAGCACCGCAGATGGGAAGGAGGCCTGTGGCAGGG-3'